The following is an entry in ClinVar:

ClinVar aggregate classification (germline): Uncertain significance. Review status: criteria provided, multiple submitters, no conflicts (2 of 4 stars). 2 submissions from 2 submitters: Uncertain significance (2). Last evaluated 2025-07-23.

Allele frequency attached by ClinVar (database versions not stated): gnomAD exomes 0.00001 and 0.00003; gnomAD 0.00003; TOPMed 0.00003.
gnomAD v4.1: 59 of 1,605,368 alleles (0.0037%); highest among the groups gnomAD compares: Non-Finnish European, 0.004%; no homozygotes.

Submissions (2):

Labcorp Genetics (formerly Invitae), Labcorp
Classification: Uncertain significance. Last evaluated: 2025-07-23. Review status: criteria provided, single submitter. Criteria: Invitae Variant Classification Sherloc (09022015). Collection method: clinical testing. Allele origin: germline.
Comment: This sequence change replaces alanine, which is neutral and non-polar, with valine, which is neutral and non-polar, at codon 385 of the FSCN2 protein (p.Ala385Val). This variant is present in population databases (no rsID available, gnomAD 0.005%). This variant has not been reported in the literature in individuals affected with FSCN2-related conditions. ClinVar contains an entry for this variant (Variation ID: 1441928). An algorithm developed to predict the effect of missense changes on protein structure and function (PolyPhen-2) suggests that this variant is likely to be tolerated. In summary, the available evidence is currently insufficient to determine the role of this variant in disease. Therefore, it has been classified as a Variant of Uncertain Significance.

Ambry Genetics
Classification: Uncertain significance. Last evaluated: 2024-02-06. Review status: criteria provided, single submitter. Criteria: Ambry Variant Classification Scheme 2023. Collection method: clinical testing. Allele origin: germline.

NM_012418.4(FSCN2):c.1106-24C>T

Gene: FSCN2 (fascin actin-bundling protein 2, retinal; plus strand). Cytogenetic location: 17q25.3.
Variant type: single nucleotide variant.
Coding change: c.1106-24C>T on transcript NM_012418.4 (MANE Select); 24 bases into the intron before coding-DNA position 1106, C replaced by T.
Molecular consequence: intron variant. On other transcripts: missense variant (1).
Genome position (GRCh38, 1-based): chr17:81,536,598, C>T. VCF-style: chr17-81536598-C-T. GRCh37 (hg19) VCF-style: chr17-79503624-C-T.
Other names: c.1154C>T, p.Ala385Val (NM_001077182.3); c.1154C>T (NM_001077182.2); short protein forms A385V.
Identifiers: ClinVar variation 1441928 (VCV001441928.9), dbSNP rs981762879, ClinGen allele CA295085256.